The following is an entry in ClinVar:

ClinVar aggregate classification (germline): Uncertain significance (1 of 4 stars; one submission).

Conditions:
Cardiovascular phenotype. Identifiers: MedGen CN230736.

gnomAD v4.1: 7 of 1,614,016 alleles (0.00043%); highest among the groups gnomAD compares: African/African-American, 0.0013%; no homozygotes.

Submission:

Ambry Genetics
Classification: Uncertain significance for Cardiovascular phenotype. Last evaluated: 2025-05-15. Review status: criteria provided, single submitter. Criteria: Ambry Variant Classification Scheme 2023. Collection method: clinical testing. Allele origin: germline.
Comment: The p.R128H variant (also known as c.383G>A), located in coding exon 3 of the PRKAG2 gene, results from a G to A substitution at nucleotide position 383. The arginine at codon 128 is replaced by histidine, an amino acid with highly similar properties. This amino acid position is conserved. In addition, the in silico prediction for this alteration is inconclusive. Based on the available evidence, the clinical significance of this variant remains unclear.

NM_016203.4(PRKAG2):c.383G>A (p.Arg128His)

Gene: PRKAG2 (protein kinase AMP-activated non-catalytic subunit gamma 2; minus strand). Cytogenetic location: 7q36.1.
Variant type: single nucleotide variant.
Coding change: c.383G>A on transcript NM_016203.4 (MANE Select); coding-DNA position 383, G replaced by A.
Protein change: p.Arg128His; replaces arginine 128 with histidine.
Molecular consequence: missense variant. On other transcripts: intron variant (1).
Genome position (GRCh38, 1-based): chr7:151,781,235, C>T on the plus strand (G>A on the coding strand, the complement: PRKAG2 is on the minus strand). VCF-style: chr7-151781235-C-T. GRCh37 (hg19) VCF-style: chr7-151478321-C-T.
Other names: c.251G>A, p.Arg84His (NM_001040633.2, NM_001407024.1, NM_001407026.1 and 2 more transcripts); c.383G>A, p.Arg128His (NM_001407021.1, NM_001407022.1, NM_001407023.1 and 2 more transcripts); c.148+33181G>A (NM_001407032.1); short protein forms R128H, R84H.
Identifiers: ClinVar variation 3938072 (VCV003938072.1).